The following is an entry in ClinVar:

ClinVar aggregate classification (germline): Likely pathogenic. Review status: criteria provided, multiple submitters, no conflicts (2 of 4 stars). 2 submissions from 2 submitters: Likely pathogenic (2). Last evaluated 2024-01-21.

Conditions:
Autosomal recessive nonsyndromic hearing loss 23. Identifiers: Orphanet 90636, MedGen C1836027, MONDO:0012293, OMIM 609533.

Allele frequency attached by ClinVar (database versions not stated): gnomAD exomes below 0.00001.
gnomAD v4.1: 2 of 1,610,704 alleles (0.00012%); highest among the groups gnomAD compares: Non-Finnish European, 0.00017%; no homozygotes.

Submissions (2):

Baylor Genetics
Classification: Likely pathogenic for Autosomal recessive nonsyndromic hearing loss 23. Last evaluated: 2024-01-21. Review status: criteria provided, single submitter. Criteria: ACMG Guidelines, 2015. Collection method: clinical testing. Allele origin: unknown.

Labcorp Genetics (formerly Invitae), Labcorp
Classification: Likely pathogenic. Last evaluated: 2021-02-05. Review status: criteria provided, single submitter. Criteria: Invitae Variant Classification Sherloc (09022015). Collection method: clinical testing. Allele origin: germline.
Comment: In summary, the currently available evidence indicates that the variant is pathogenic, but additional data are needed to prove that conclusively. Therefore, this variant has been classified as Likely Pathogenic. Algorithms developed to predict the effect of sequence changes on RNA splicing suggest that this variant may disrupt the consensus splice site, but this prediction has not been confirmed by published transcriptional studies. This variant has not been reported in the literature in individuals with PCDH15-related conditions. This variant is not present in population databases (ExAC no frequency). This sequence change affects a donor splice site in intron 2 of the PCDH15 gene. It is expected to disrupt RNA splicing. Variants that disrupt the donor or acceptor splice site typically lead to a loss of protein function (PMID: 16199547), and loss-of-function variants in PCDH15 are known to be pathogenic (PMID: 11398101, 11487575, 14570705).

Literature cited by the submitters: PubMed 16199547 (cited by Labcorp Genetics (formerly Invitae), Labcorp); PubMed 11398101 (cited by Labcorp Genetics (formerly Invitae), Labcorp); PubMed 11487575 (cited by Labcorp Genetics (formerly Invitae), Labcorp); PubMed 14570705 (cited by Labcorp Genetics (formerly Invitae), Labcorp).

NM_001384140.1(PCDH15):c.91+1G>A

Gene: PCDH15 (protocadherin related 15; minus strand). Cytogenetic location: 10q21.1.
Variant type: single nucleotide variant.
Coding change: c.91+1G>A on transcript NM_001384140.1 (MANE Select); the canonical splice donor site of the intron after coding-DNA position 91, G replaced by A.
Molecular consequence: splice donor variant.
Genome position (GRCh38, 1-based): chr10:54,664,171, C>T on the plus strand (G>A on the coding strand, the complement: PCDH15 is on the minus strand). VCF-style: chr10-54664171-C-T. GRCh37 (hg19) VCF-style: chr10-56423931-C-T.
Other names: c.91+1G>A (NM_001354420.2, NM_001354429.2, NM_001142772.2 and 14 more transcripts).
Identifiers: ClinVar variation 1511888 (VCV001511888.10), dbSNP rs1565887701, ClinGen allele CA376541855.
Genomic context (GRCh38, chr10:54,664,171, plus strand): 5'-TTTTCAATGTAATAATAAAAATCCTGGCTCGCTCTAAAGGTCAAGCTAAAAGCAACCTTA[C>T]CATCATCATACTGGCCCAAGCAGATTTCAAAGAGAGAGCCCAGGATGATCCCTGAAGCTA-3'